The following is an entry in ClinVar:

ClinVar aggregate classification (germline): Uncertain significance (1 of 4 stars; one submission).

Conditions:
Hereditary nonpolyposis colorectal neoplasms. Identifiers: MedGen C0009405, MeSH D003123.

Submission:

Labcorp Genetics (formerly Invitae), Labcorp
Classification: Uncertain significance for Hereditary nonpolyposis colon cancer. Last evaluated: 2018-10-02. Review status: criteria provided, single submitter. Criteria: Invitae Variant Classification Sherloc (09022015). Collection method: clinical testing. Allele origin: germline.
Comment: This variant results in a copy number gain of the genomic region encompassing exons 1-9 of the PMS2 gene. The 5' end of this event is unknown as it extends beyond the assayed region for this gene and therefore may encompass additional genes. The 3' boundary is likely confined to intron 9 of the PMS2 gene. As the precise location of this event is unknown, it may be in tandem or it may be located elsewhere in the genome. This variant has not been reported in the literature in individuals with PMS2-related disease. In summary, the available evidence is currently insufficient to determine the role of this variant in disease. Therefore, it has been classified as a Variant of Uncertain Significance.

NC_000007.13:g.(?_6031594)_(6048660_?)dup

Genes: PMS2 (PMS1 homolog 2, mismatch repair system component; minus strand), LOC129997916 (ATAC-STARR-seq lymphoblastoid active region 25614; plus strand). Cytogenetic location: 7p22.1.
Variant type: Duplication.
Identifiers: ClinVar variation 640985 (VCV000640985.1).